The following is an entry in ClinVar:

ClinVar aggregate classification (germline): Benign/Likely benign. Review status: criteria provided, multiple submitters, no conflicts (2 of 4 stars). 6 submissions from 6 submitters: Benign (5); Likely benign (1). Last evaluated 2026-01-27.

Conditions:
Hereditary sensory neuropathy-deafness-dementia syndrome. Also called: HSN IE; Hereditary sensory neuropathy type IE; Hereditary Sensory and Autonomic Neuropathy Type 1E (HSAN1E); NEUROPATHY, HEREDITARY SENSORY, WITH HEARING LOSS AND DEMENTIA. Identifiers: Orphanet 456318, MedGen C3279885, MONDO:0013584, OMIM 614116.

Allele frequency attached by ClinVar (database versions not stated): gnomAD exomes 0.00059 and 0.00161; ExAC 0.00210; gnomAD 0.00649 and 0.00699; TOPMed 0.00703; ESP Exome Variant Server 0.00738; 1000 Genomes Project 0.00759; 1000 Genomes Project 30x 0.00796.
gnomAD v4.1: 1,884 of 1,614,212 alleles (0.12%); highest among the groups gnomAD compares: African/African-American, 2.3%; 18 homozygotes.

Submissions (6):

Labcorp Genetics (formerly Invitae), Labcorp
Classification: Benign for Hereditary sensory neuropathy-deafness-dementia syndrome. Last evaluated: 2026-01-27. Review status: criteria provided, single submitter. Criteria: Invitae Variant Classification Sherloc (09022015). Collection method: clinical testing. Allele origin: germline.

Blueprint Genetics
Classification: Likely benign. Last evaluated: 2024-11-05. Review status: criteria provided, single submitter. Criteria: ACMG Guidelines, 2015. Collection method: clinical testing. Allele origin: germline.

Mayo Clinic Laboratories, Mayo Clinic
Classification: Benign. Last evaluated: 2021-06-25. Review status: criteria provided, single submitter. Criteria: ACMG Guidelines, 2015. Collection method: clinical testing. Allele origin: germline. Observed: 8 variant alleles.

ARUP Laboratories, Molecular Genetics and Genomics, ARUP Laboratories
Classification: Benign. Last evaluated: 2019-11-21. Review status: criteria provided, single submitter. Criteria: ARUP Molecular Germline Variant Investigation Process. Collection method: clinical testing. Allele origin: germline.

GeneDx
Classification: Benign. Last evaluated: 2016-10-20. Review status: criteria provided, single submitter. Criteria: GeneDx Variant Classification (06012015). Collection method: clinical testing. Allele origin: germline. Affected: yes.
Comment: This variant is considered likely benign or benign based on one or more of the following criteria: it is a conservative change, it occurs at a poorly conserved position in the protein, it is predicted to be benign by multiple in silico algorithms, and/or has population frequency not consistent with disease.

Breakthrough Genomics
Classification: Benign. Review status: criteria provided, single submitter. Criteria: ACMG Guidelines, 2015. Collection method: not provided. Allele origin: germline. Inheritance: Autosomal dominant inheritance. Affected: yes.

NM_001130823.3(DNMT1):c.1095C>T (p.His365=)

Gene: DNMT1 (DNA methyltransferase 1; minus strand). Cytogenetic location: 19p13.2.
Variant type: single nucleotide variant.
Coding change: c.1095C>T on transcript NM_001130823.3 (MANE Select); coding-DNA position 1095, C replaced by T.
Protein change: p.His365=; no amino-acid change (histidine 365 retained).
Molecular consequence: synonymous variant.
Genome position (GRCh38, 1-based): chr19:10,159,917, G>A on the plus strand (C>T on the coding strand, the complement: DNMT1 is on the minus strand). VCF-style: chr19-10159917-G-A. GRCh37 (hg19) VCF-style: chr19-10270593-G-A.
Other names: p.His365=; c.1095C>T (LRG_362t1); c.1047C>T, p.His349= (NM_001318730.2, NM_001379.4); c.732C>T, p.His244= (NM_001318731.2).
Identifiers: ClinVar variation 379140 (VCV000379140.60), dbSNP rs116502459, ClinGen allele CA9188381.